The following is an entry in ClinVar:

ClinVar aggregate classification (germline): other (0 of 4 stars; one submission).

Conditions:
Familial colorectal cancer. Identifiers: MedGen CN280943, MONDO:0023113. Disease mechanism: loss of function.

Submission:

Systems Biology Platform Zhejiang California International NanoSystems Institute
Classification: other for Familial colorectal cancer. Review status: no assertion criteria provided. Collection method: not provided. Allele origin: unknown.
ClinVar note: Converted during submission from cancer to other.

NM_000038.6(APC):c.1409-2358T>A

Gene: APC (APC regulator of WNT signaling pathway; plus strand). Cytogenetic location: 5q22.2.
Variant type: single nucleotide variant.
Coding change: c.1409-2358T>A on transcript NM_000038.6 (MANE Select); 2358 bases into the intron before coding-DNA position 1409, T replaced by A.
Molecular consequence: intron variant.
Genome position (GRCh38, 1-based): chr5:112,824,750, T>A. VCF-style: chr5-112824750-T-A. GRCh37 (hg19) VCF-style: chr5-112160447-T-A.
Other names: c.1409-2358T>A (NM_001354895.2, NM_001127510.3); c.1439-2358T>A (NM_001354897.2); c.1136-2358T>A (NM_001354902.2); c.1355-2358T>A (NM_001127511.3); c.1334-2358T>A (NM_001354898.2); c.1031-2358T>A (NM_001354904.2); c.560-2358T>A (NM_001354906.2); c.1462+1390T>A (NM_001354896.2); and 5 more.
Identifiers: ClinVar variation 83145 (VCV000083145.2), dbSNP rs74796938, ClinGen allele CA005055.